The following is an entry in ClinVar:

NM_000481.4(AMT):c.35G>A (p.Gly12Asp)

Genes: AMT (aminomethyltransferase; minus strand), NICN1 (nicolin 1, tubulin polyglutamylase complex subunit; minus strand). Cytogenetic location: 3p21.31.
Variant type: single nucleotide variant.
Coding change: c.35G>A on transcript NM_000481.4 (MANE Select); coding-DNA position 35, G replaced by A.
Protein change: p.Gly12Asp; replaces glycine 12 with aspartic acid.
Molecular consequence: missense variant. On other transcripts: non-coding transcript variant (1), 3 prime UTR variant (1).
Genome position (GRCh38, 1-based): chr3:49,422,416, C>T on the plus strand (G>A on the coding strand, the complement: AMT is on the minus strand). VCF-style: chr3-49422416-C-T. GRCh37 (hg19) VCF-style: chr3-49459849-C-T.
Other names: c.35G>A, p.Gly12Asp (NM_001164710.2, NM_001164711.2, NM_001164712.2); c.*2417G>A (NM_032316.3); short protein forms G12D.
Identifiers: ClinVar variation 1991982 (VCV001991982.1), dbSNP rs139941796, ClinGen allele CA2398510.

ClinVar aggregate classification (germline): Uncertain significance (1 of 4 stars; one submission).

Conditions:
Glycine encephalopathy. Also called: Nonketotic hyperglycinemia; Non-ketotic hyperglycinemia. Identifiers: Orphanet 407, MedGen C0751748, MONDO:0011612, HP:0008288.

Allele frequency attached by ClinVar (database versions not stated): ExAC 0.00001; TOPMed 0.00001; ESP Exome Variant Server 0.00008.

Submission:

Labcorp Genetics (formerly Invitae), Labcorp
Classification: Uncertain significance for Glycine encephalopathy. Last evaluated: 2022-04-20. Review status: criteria provided, single submitter. Criteria: Invitae Variant Classification Sherloc (09022015). Collection method: clinical testing. Allele origin: germline.
Comment: This sequence change replaces glycine, which is neutral and non-polar, with aspartic acid, which is acidic and polar, at codon 12 of the AMT protein (p.Gly12Asp). This variant is not present in population databases (gnomAD no frequency). This variant has not been reported in the literature in individuals affected with AMT-related conditions. Advanced modeling of protein sequence and biophysical properties (such as structural, functional, and spatial information, amino acid conservation, physicochemical variation, residue mobility, and thermodynamic stability) performed at Invitae indicates that this missense variant is not expected to disrupt AMT protein function. In summary, the available evidence is currently insufficient to determine the role of this variant in disease. Therefore, it has been classified as a Variant of Uncertain Significance.